The following is an entry in ClinVar:

NM_015295.3(SMCHD1):c.5893C>T (p.Arg1965Cys)

Gene: SMCHD1 (structural maintenance of chromosomes flexible hinge domain containing 1; plus strand). Cytogenetic location: 18p11.32.
Variant type: single nucleotide variant.
Coding change: c.5893C>T on transcript NM_015295.3 (MANE Select); coding-DNA position 5893, C replaced by T.
Protein change: p.Arg1965Cys; replaces arginine 1965 with cysteine.
Molecular consequence: missense variant.
Genome position (GRCh38, 1-based): chr18:2,796,421, C>T. VCF-style: chr18-2796421-C-T. GRCh37 (hg19) VCF-style: chr18-2796419-C-T.
Other names: c.5893C>T (NM_015295.2); short protein forms R1965C.
Identifiers: ClinVar variation 2160267 (VCV002160267.7), dbSNP rs750136221, ClinGen allele CA8871812.

ClinVar aggregate classification (germline): Uncertain significance. Review status: criteria provided, multiple submitters, no conflicts (2 of 4 stars). 2 submissions from 2 submitters: Uncertain significance (2). Last evaluated 2024-10-17.

Conditions:
Facioscapulohumeral muscular dystrophy 2 (FSHD2). Also called: FACIOSCAPULOHUMERAL MUSCULAR DYSTROPHY 2, DIGENIC; FSHD2, DIGENIC; MUSCULAR DYSTROPHY, FACIOSCAPULOHUMERAL, TYPE 1B. Identifiers: Orphanet 269, MedGen C1834671, MONDO:0008031, OMIM 158901.

Allele frequency attached by ClinVar (database versions not stated): gnomAD 0.00001; gnomAD exomes 0.00001; TOPMed 0.00001; ExAC 0.00007.
gnomAD v4.1: 15 of 1,591,950 alleles (0.00094%); highest among the groups gnomAD compares: South Asian, 0.0011%; no homozygotes.

Submissions (2):

Labcorp Genetics (formerly Invitae), Labcorp
Classification: Uncertain significance for Facioscapulohumeral muscular dystrophy 2. Last evaluated: 2024-10-17. Review status: criteria provided, single submitter. Criteria: Invitae Variant Classification Sherloc (09022015). Collection method: clinical testing. Allele origin: germline.
Comment: This sequence change replaces arginine, which is basic and polar, with cysteine, which is neutral and slightly polar, at codon 1965 of the SMCHD1 protein (p.Arg1965Cys). The frequency data for this variant in the population databases is considered unreliable, as metrics indicate poor data quality at this position in the gnomAD database. This variant has not been reported in the literature in individuals affected with SMCHD1-related conditions. ClinVar contains an entry for this variant (Variation ID: 2160267). Invitae Evidence Modeling of protein sequence and biophysical properties (such as structural, functional, and spatial information, amino acid conservation, physicochemical variation, residue mobility, and thermodynamic stability) indicates that this missense variant is not expected to disrupt SMCHD1 protein function with a negative predictive value of 80%. In summary, the available evidence is currently insufficient to determine the role of this variant in disease. Therefore, it has been classified as a Variant of Uncertain Significance.

Revvity Omics, Revvity
Classification: Uncertain significance. Last evaluated: 2022-06-14. Review status: criteria provided, single submitter. Criteria: ACMG Guidelines, 2015. Collection method: clinical testing. Allele origin: germline.